The following is an entry in ClinVar:

NM_000199.5(SGSH):c.1484G>C (p.Cys495Ser)

Gene: SGSH (N-sulfoglucosamine sulfohydrolase; minus strand). Cytogenetic location: 17q25.3.
Variant type: single nucleotide variant.
Coding change: c.1484G>C on transcript NM_000199.5 (MANE Select); coding-DNA position 1484, G replaced by C.
Protein change: p.Cys495Ser; replaces cysteine 495 with serine.
Molecular consequence: missense variant. On other transcripts: 3 prime UTR variant (2), non-coding transcript variant (1).
Genome position (GRCh38, 1-based): chr17:80,210,477, C>G on the plus strand (G>C on the coding strand, the complement: SGSH is on the minus strand). VCF-style: chr17-80210477-C-G. GRCh37 (hg19) VCF-style: chr17-78184276-C-G.
Other names: c.*571G>C (NM_001352921.3); c.*534G>C (NM_001352922.2); short protein forms C495S.
Identifiers: ClinVar variation 3161053 (VCV003161053.2), dbSNP rs1598736666, ClinGen allele CA401358334.

ClinVar aggregate classification (germline): Uncertain significance. Review status: criteria provided, multiple submitters, no conflicts (2 of 4 stars). 2 submissions from 2 submitters: Uncertain significance (2). Last evaluated 2023-11-02.

Conditions:
Inborn genetic diseases. Identifiers: MedGen C0950123, MeSH D030342.
Mucopolysaccharidosis, MPS-III-A (MPS3A). Also called: Mucopolysaccharidosis type IIIA (Sanfilippo A); HEPARAN SULFATE SULFATASE DEFICIENCY; SANFILIPPO SYNDROME A; SULFAMIDASE DEFICIENCY; MPS III A; MUCOPOLYSACCHARIDOSIS, TYPE IIIA, ATTENUATED. Identifiers: Orphanet 581, Orphanet 79269, MedGen C0086647, MONDO:0009655, OMIM 252900.

Submissions (2):

Ambry Genetics
Classification: Uncertain significance for Inborn genetic diseases. Last evaluated: 2023-11-02. Review status: criteria provided, single submitter. Criteria: Ambry Variant Classification Scheme 2023. Collection method: clinical testing. Allele origin: germline.

Neuberg Centre For Genomic Medicine, NCGM
Classification: Uncertain significance for Mucopolysaccharidosis, MPS-III-A. Review status: criteria provided, single submitter. Criteria: ACMG Guidelines, 2015. Collection method: clinical testing. Allele origin: germline. Inheritance: Autosomal recessive inheritance. Affected: yes.
Comment: The missense variant c.1484G>C (p.Cys495Ser) in the SGSH gene has not been reported previously as a pathogenic variant nor as a benign variant, to our knowledge. This variant is absent in the gnomAD Exomes. The amino acid Cysteine at position 1484 is changed to a Serine changing protein sequence and it might alter its composition and physico-chemical properties. Multiple lines of computational evidence (Polyphen - Damaging, SIFT - Damaging and MutationTaster - Disease causing) predict a damaging effect on protein structure and function for this variant. The amino acid change p.Cys495Ser in SGSH is predicted as conserved by GERP++ and PhyloP across 100 vertebrates. For these reasons, this variant has been classified as Uncertain Significance.